The following is an entry in ClinVar:

NM_015046.7(SETX):c.3567T>G (p.Asn1189Lys)

Gene: SETX (senataxin; minus strand). Cytogenetic location: 9q34.13.
Variant type: single nucleotide variant.
Coding change: c.3567T>G on transcript NM_015046.7 (MANE Select); coding-DNA position 3567, T replaced by G.
Protein change: p.Asn1189Lys; replaces asparagine 1189 with lysine.
Molecular consequence: missense variant.
Genome position (GRCh38, 1-based): chr9:132,328,031, A>C on the plus strand (T>G on the coding strand, the complement: SETX is on the minus strand). VCF-style: chr9-132328031-A-C. GRCh37 (hg19) VCF-style: chr9-135203418-A-C.
Other names: c.3567T>G, p.Asn1189Lys (NM_001351527.2, NM_001351528.2); short protein forms N1189K.
Identifiers: ClinVar variation 1732754 (VCV001732754.6), dbSNP rs779729376, ClinGen allele CA5297374.

ClinVar aggregate classification (germline): Uncertain significance. Review status: criteria provided, multiple submitters, no conflicts (2 of 4 stars). 3 submissions from 3 submitters: Uncertain significance (3). Last evaluated 2023-02-08.

Conditions:
Inborn genetic diseases. Identifiers: MedGen C0950123, MeSH D030342.

Allele frequency attached by ClinVar (database versions not stated): gnomAD 0.00001; TOPMed 0.00001; ExAC 0.00007.
gnomAD v4.1: 27 of 1,613,998 alleles (0.0017%); highest among the groups gnomAD compares: South Asian, 0.026%; no homozygotes.

Submissions (3):

Athena Diagnostics
Classification: Uncertain significance. Last evaluated: 2023-02-08. Review status: criteria provided, single submitter. Criteria: Athena Diagnostics Criteria. Collection method: clinical testing. Allele origin: unknown.
Comment: Available data are insufficient to determine the clinical significance of the variant at this time. The frequency of this variant in the general population is higher than would generally be expected for pathogenic variants in this gene. Computational tools predict that this variant is not damaging.

Revvity Omics, Revvity
Classification: Uncertain significance. Last evaluated: 2021-04-21. Review status: criteria provided, single submitter. Criteria: ACMG Guidelines, 2015. Collection method: clinical testing. Allele origin: germline.

Ambry Genetics
Classification: Uncertain significance for Inborn genetic diseases. Last evaluated: 2020-10-27. Review status: criteria provided, single submitter. Criteria: Ambry Variant Classification Scheme 2023. Collection method: clinical testing. Allele origin: germline.
Comment: The p.N1189K variant (also known as c.3567T>G), located in coding exon 8 of the SETX gene, results from a T to G substitution at nucleotide position 3567. The asparagine at codon 1189 is replaced by lysine, an amino acid with similar properties. This amino acid position is not well conserved in available vertebrate species. In addition, this alteration is predicted to be tolerated by in silico analysis. Based on the supporting evidence, this variant is unlikely to be causative of autosomal dominant SETX-related juvenile amyotrophic lateral sclerosis (ALS4); however, its contribution to the development of autosomal recessive SETX-related spinocerebellar ataxia with axonal neuropathy 2 (SCAN2) is uncertain.